The following is an entry in ClinVar:

NM_004211.5(SLC6A5):c.2152G>A (p.Gly718Arg)

Gene: SLC6A5 (solute carrier family 6 member 5; plus strand). Cytogenetic location: 11p15.1.
Variant type: single nucleotide variant.
Coding change: c.2152G>A on transcript NM_004211.5 (MANE Select); coding-DNA position 2152, G replaced by A.
Protein change: p.Gly718Arg; replaces glycine 718 with arginine.
Molecular consequence: missense variant.
Genome position (GRCh38, 1-based): chr11:20,652,370, G>A. VCF-style: chr11-20652370-G-A. GRCh37 (hg19) VCF-style: chr11-20673916-G-A.
Other names: c.1450G>A, p.Gly484Arg (NM_001318369.2); short protein forms G718R, G484R.
Identifiers: ClinVar variation 1447346 (VCV001447346.6), dbSNP rs777399866, ClinGen allele CA218724825.

ClinVar aggregate classification (germline): Uncertain significance. Review status: criteria provided, single submitter (1 of 4 stars). 2 submissions from 2 submitters: Uncertain significance (1). 1 of the submissions does not count toward it. Last evaluated 2021-08-31.

Conditions:
Hyperekplexia 3 (HKPX3). Also called: HYPEREKPLEXIA 3, AUTOSOMAL RECESSIVE; HYPEREKPLEXIA 3, AUTOSOMAL DOMINANT. Identifiers: Orphanet 3197, MedGen C3553288, MONDO:0013827, OMIM 614618.

Allele frequency attached by ClinVar (database versions not stated): gnomAD exomes below 0.00001 and 0.00001; gnomAD 0.00001; TOPMed 0.00001.
gnomAD v4.1: 20 of 1,613,846 alleles (0.0012%); highest among the groups gnomAD compares: South Asian, 0.0033%; no homozygotes.

Submissions (2):

Labcorp Genetics (formerly Invitae), Labcorp
Classification: Uncertain significance for Hyperekplexia 3. Last evaluated: 2021-08-31. Review status: criteria provided, single submitter. Criteria: Invitae Variant Classification Sherloc (09022015). Collection method: clinical testing. Allele origin: germline.
Comment: This sequence change replaces glycine with arginine at codon 718 of the SLC6A5 protein (p.Gly718Arg). The glycine residue is highly conserved and there is a moderate physicochemical difference between glycine and arginine. This variant is not present in population databases (ExAC no frequency). This variant has not been reported in the literature in individuals affected with SLC6A5-related conditions. Advanced modeling of protein sequence and biophysical properties (such as structural, functional, and spatial information, amino acid conservation, physicochemical variation, residue mobility, and thermodynamic stability) performed at Invitae indicates that this missense variant is expected to disrupt SLC6A5 protein function. Algorithms developed to predict the effect of sequence changes on RNA splicing suggest that this variant may create or strengthen a splice site. In summary, the available evidence is currently insufficient to determine the role of this variant in disease. Therefore, it has been classified as a Variant of Uncertain Significance.

Clinical Genetics Laboratory, University Hospital Schleswig-Holstein
Classification: Likely pathogenic for Hyperekplexia 3. Last evaluated: 2024-04-03. Review status: no assertion criteria provided. Collection method: clinical testing. Allele origin: maternal. Affected: yes. Not counted in ClinVar's aggregate classification.